The following is an entry in ClinVar:

ClinVar aggregate classification (germline): Conflicting classifications of pathogenicity. Review status: criteria provided, conflicting classifications (1 of 4 stars). 4 submissions from 4 submitters: Uncertain significance (3); Likely benign (1). Last evaluated 2026-04-13.

Conditions:
ALPK3-related disorder. Also called: ALPK3-related condition.
Cardiovascular phenotype. Identifiers: MedGen CN230736.

Allele frequency attached by ClinVar (database versions not stated): ExAC 0.00002; gnomAD exomes 0.00002 and 0.00004; gnomAD 0.00003; ESP Exome Variant Server 0.00008.
gnomAD v4.1: 31 of 1,614,000 alleles (0.0019%); highest among the groups gnomAD compares: East Asian, 0.011%; no homozygotes.

Submissions (4):

PreventionGenetics, part of Exact Sciences
Classification: Uncertain significance for ALPK3-related condition. Last evaluated: 2026-04-13. Review status: criteria provided, single submitter. Criteria: ACMG Guidelines, 2015. Collection method: clinical testing. Allele origin: germline.
Comment: The ALPK3 c.2840C>T variant is predicted to result in the amino acid substitution p.Ala947Val. To our knowledge, this variant has not been reported in the literature. This variant is reported in 0.015% of alleles in individuals of East Asian descent in gnomAD. At this time, the clinical significance of this variant is uncertain due to the absence of conclusive functional and genetic evidence.

Labcorp Genetics (formerly Invitae), Labcorp
Classification: Uncertain significance. Last evaluated: 2026-02-03. Review status: criteria provided, single submitter. Criteria: Invitae Variant Classification Sherloc (09022015). Collection method: clinical testing. Allele origin: germline.
Comment: This sequence change replaces alanine, which is neutral and non-polar, with valine, which is neutral and non-polar, at codon 947 of the ALPK3 protein (p.Ala947Val). This variant is present in population databases (rs142677464, gnomAD 0.02%). This variant has not been reported in the literature in individuals affected with ALPK3-related conditions. ClinVar contains an entry for this variant (Variation ID: 1508378). Invitae Evidence Modeling of protein sequence and biophysical properties (such as structural, functional, and spatial information, amino acid conservation, physicochemical variation, residue mobility, and thermodynamic stability) indicates that this missense variant is not expected to disrupt ALPK3 protein function with a negative predictive value of 80%. In summary, the available evidence is currently insufficient to determine the role of this variant in disease. Therefore, it has been classified as a Variant of Uncertain Significance.

Ambry Genetics
Classification: Likely benign for Cardiovascular phenotype. Last evaluated: 2025-11-19. Review status: criteria provided, single submitter. Criteria: Ambry Variant Classification Scheme 2023. Collection method: clinical testing. Allele origin: germline.

GeneDx
Classification: Uncertain significance. Last evaluated: 2023-07-12. Review status: criteria provided, single submitter. Criteria: GeneDx Variant Classification Process June 2021. Collection method: clinical testing. Allele origin: germline. Affected: yes.
Comment: In silico analysis supports that this missense variant does not alter protein structure/function; Has not been previously published as pathogenic or benign to our knowledge

NM_020778.5(ALPK3):c.2234C>T (p.Ala745Val)

Gene: ALPK3 (alpha kinase 3; plus strand). Cytogenetic location: 15q25.3.
Variant type: single nucleotide variant.
Coding change: c.2234C>T on transcript NM_020778.5 (MANE Select); coding-DNA position 2234, C replaced by T.
Protein change: p.Ala745Val; replaces alanine 745 with valine.
Molecular consequence: missense variant.
Genome position (GRCh38, 1-based): chr15:84,856,972, C>T. VCF-style: chr15-84856972-C-T. GRCh37 (hg19) VCF-style: chr15-85400203-C-T.
Other names: c.2840C>T (NM_020778.4); short protein forms A745V.
Identifiers: ClinVar variation 1508378 (VCV001508378.10), dbSNP rs142677464, ClinGen allele CA7709369.
Genomic context (GRCh38, chr15:84,856,972, plus strand): 5'-AGCAAGAGGTGGCAACCAGCCTCGGCCCACCATCCAGAACCCCCAAACTCCCACCTACAG[C>T]GGGTCCTAGAGCTCCTCTGAATATTGAATGTTTTGTACAGACCCCAGAAGGGTCTTGTTT-3'
Protein context (NP_065829.4, residues 735-755): PSRTPKLPPT[Ala745Val]GPRAPLNIEC